The following is an entry in ClinVar:

NM_001145809.2(MYH14):c.878T>G (p.Leu293Arg)

Genes: MYH14 (myosin heavy chain 14; plus strand), LOC121852992 (Sharpr-MPRA regulatory region 11309; plus strand). Cytogenetic location: 19q13.33.
Variant type: single nucleotide variant.
Coding change: c.878T>G on transcript NM_001145809.2 (MANE Select); coding-DNA position 878, T replaced by G.
Protein change: p.Leu293Arg; replaces leucine 293 with arginine.
Molecular consequence: missense variant.
Genome position (GRCh38, 1-based): chr19:50,230,528, T>G. VCF-style: chr19-50230528-T-G. GRCh37 (hg19) VCF-style: chr19-50733785-T-G.
Other names: c.854T>G (NM_024729.3); c.878T>G, p.Leu293Arg (NM_001077186.2); c.854T>G, p.Leu285Arg (NM_024729.4); short protein forms L285R, L293R.
Identifiers: ClinVar variation 3664847 (VCV003664847.3).
Genomic context (GRCh38, chr19:50,230,528, plus strand): 5'-GCCTGGCAGCGTCGGGGCCGTCCCTTCCCCTCTAGCACCTTGACTCGCTGTGTCCAGACC[T>G]GCTGGAGAAGTCGCGGGCCATCCGCCAGGCCAAGGACGAGTGCAGCTTCCACATCTTCTA-3'
Protein context (NP_001139281.1, residues 283-303): YIVGANIETY[Leu293Arg]LEKSRAIRQA

ClinVar aggregate classification (germline): Conflicting classifications of pathogenicity. Review status: criteria provided, conflicting classifications (1 of 4 stars). 2 submissions from 2 submitters: Likely pathogenic (1); Uncertain significance (1). Last evaluated 2025-03-17.

Submissions (2):

Labcorp Genetics (formerly Invitae), Labcorp
Classification: Uncertain significance. Last evaluated: 2025-03-17. Review status: criteria provided, single submitter. Criteria: Invitae Variant Classification Sherloc (09022015). Collection method: clinical testing. Allele origin: germline.
Comment: This sequence change replaces leucine, which is neutral and non-polar, with arginine, which is basic and polar, at codon 285 of the MYH14 protein (p.Leu285Arg). This variant is not present in population databases (gnomAD no frequency). This variant has not been reported in the literature in individuals affected with MYH14-related conditions. Invitae Evidence Modeling of protein sequence and biophysical properties (such as structural, functional, and spatial information, amino acid conservation, physicochemical variation, residue mobility, and thermodynamic stability) indicates that this missense variant is expected to disrupt MYH14 protein function with a positive predictive value of 80%. In summary, the available evidence is currently insufficient to determine the role of this variant in disease. Therefore, it has been classified as a Variant of Uncertain Significance.

GeneDx
Classification: Likely pathogenic. Last evaluated: 2024-12-31. Review status: criteria provided, single submitter. Criteria: GeneDx Variant Classification Process June 2021. Collection method: clinical testing. Allele origin: germline. Affected: yes.
Comment: Not observed at significant frequency in large population cohorts (gnomAD); In silico analysis supports that this missense variant has a deleterious effect on protein structure/function; Has not been previously published as pathogenic or benign to our knowledge